The following is an entry in ClinVar:

NM_001032283.3(TMPO):c.565+1979T>C

Gene: TMPO (thymopoietin; plus strand). Cytogenetic location: 12q23.1.
Variant type: single nucleotide variant.
Coding change: c.565+1979T>C on transcript NM_001032283.3 (MANE Select); 1979 bases into the intron after coding-DNA position 565, T replaced by C.
Molecular consequence: intron variant. On other transcripts: synonymous variant (1).
Genome position (GRCh38, 1-based): chr12:98,533,817, T>C. VCF-style: chr12-98533817-T-C. GRCh37 (hg19) VCF-style: chr12-98927595-T-C.
Other names: c.1560T>C, p.Tyr520= (NM_003276.2); c.565+1979T>C (NM_001307975.2, NM_001032284.3).
Identifiers: ClinVar variation 668667 (VCV000668667.36), dbSNP rs777452560, ClinGen allele CA6732432.

ClinVar aggregate classification (germline): Likely benign. Review status: criteria provided, multiple submitters, no conflicts (2 of 4 stars). 4 submissions from 4 submitters: Likely benign (4). Last evaluated 2023-07-20.

Conditions:
Loeys-Dietz syndrome 2 (LDS2). Also called: Marfan syndrome, type 2 (formerly); AORTIC ANEURYSM, FAMILIAL THORACIC 3; MARFAN SYNDROME, TYPE II; Marfan Syndrome type 2; Marfan like connective tissue disorder; MFS 2. Identifiers: Orphanet 284973, Orphanet 558, MedGen C2674574, MONDO:0012427, OMIM 610168.

Allele frequency attached by ClinVar (database versions not stated): gnomAD 0.00001; gnomAD exomes 0.00001 and 0.00002; ExAC 0.00002; TOPMed 0.00002.
gnomAD v4.1: 11 of 1,614,076 alleles (0.00068%); highest among the groups gnomAD compares: Admixed American, 0.0017%; no homozygotes.

Submissions (4):

Ambry Genetics
Classification: Likely benign. Last evaluated: 2023-07-20. Review status: criteria provided, single submitter. Criteria: Ambry Variant Classification Scheme 2023. Collection method: clinical testing. Allele origin: germline.

CeGaT Center for Human Genetics Tuebingen
Classification: Likely benign. Last evaluated: 2022-12-01. Review status: criteria provided, single submitter. Criteria: CeGaT Center For Human Genetics Tuebingen Variant Classification Criteria Version 2. Collection method: clinical testing. Allele origin: germline. Affected: yes. Observed: 1 variant allele.
Comment: TMPO: BP4, BP7

Labcorp Genetics (formerly Invitae), Labcorp
Classification: Likely benign for Loeys-Dietz syndrome 2. Last evaluated: 2022-03-29. Review status: criteria provided, single submitter. Criteria: Invitae Variant Classification Sherloc (09022015). Collection method: clinical testing. Allele origin: germline.

GeneDx
Classification: Likely benign. Last evaluated: 2018-05-24. Review status: criteria provided, single submitter. Criteria: GeneDx Variant Classification (06012015). Collection method: clinical testing. Allele origin: germline. Affected: yes.
Comment: This variant is considered likely benign or benign based on one or more of the following criteria: it is a conservative change, it occurs at a poorly conserved position in the protein, it is predicted to be benign by multiple in silico algorithms, and/or has population frequency not consistent with disease.